The following is an entry in ClinVar:

NM_001288705.3(CSF1R):c.2627C>A (p.Ala876Asp)

Gene: CSF1R (colony stimulating factor 1 receptor; minus strand). Cytogenetic location: 5q32.
Variant type: single nucleotide variant.
Coding change: c.2627C>A on transcript NM_001288705.3 (MANE Select); coding-DNA position 2627, C replaced by A.
Protein change: p.Ala876Asp; replaces alanine 876 with aspartic acid.
Molecular consequence: missense variant. On other transcripts: non-coding transcript variant (2).
Genome position (GRCh38, 1-based): chr5:150,055,264, G>T on the plus strand (C>A on the coding strand, the complement: CSF1R is on the minus strand). VCF-style: chr5-150055264-G-T. GRCh37 (hg19) VCF-style: chr5-149434827-G-T.
Other names: c.2627C>A, p.Ala876Asp (NM_001349736.2, NM_001375320.1, NM_005211.4); c.2183C>A, p.Ala728Asp (NM_001375321.1); short protein forms A876D, A728D.
Identifiers: ClinVar variation 1492312 (VCV001492312.6), dbSNP rs1757153323, ClinGen allele CA361757882.
Genomic context (GRCh38, chr5:150,055,264, plus strand): 5'-GTCCTTTTCCCTCCCTGGGATCCCTTCGCTTACATATTCTTTGGGGCAAATGCAGGCTGG[G>T]CCATTTGGTATCCATCCTTCACCAGTTTATAGAACTTGCTGTTCACCAGGATGCCAGGGT-3'
Protein context (NP_001275634.1, residues 866-886): YKLVKDGYQM[Ala876Asp]QPAFAPKNIY

ClinVar aggregate classification (germline): Uncertain significance (1 of 4 stars; one submission).

Allele frequency attached by ClinVar (database versions not stated): gnomAD exomes below 0.00001.
gnomAD v4.1: 1 of 1,614,146 alleles (0.000062%); highest among the groups gnomAD compares: Non-Finnish European, 0.000085%; no homozygotes.

Submission:

Labcorp Genetics (formerly Invitae), Labcorp
Classification: Uncertain significance. Last evaluated: 2024-02-24. Review status: criteria provided, single submitter. Criteria: Invitae Variant Classification Sherloc (09022015). Collection method: clinical testing. Allele origin: germline.
Comment: This sequence change replaces alanine, which is neutral and non-polar, with aspartic acid, which is acidic and polar, at codon 876 of the CSF1R protein (p.Ala876Asp). This variant is not present in population databases (gnomAD no frequency). This variant has not been reported in the literature in individuals affected with CSF1R-related conditions. ClinVar contains an entry for this variant (Variation ID: 1492312). Advanced modeling of protein sequence and biophysical properties (such as structural, functional, and spatial information, amino acid conservation, physicochemical variation, residue mobility, and thermodynamic stability) performed at Invitae indicates that this missense variant is not expected to disrupt CSF1R protein function with a negative predictive value of 95%. In summary, the available evidence is currently insufficient to determine the role of this variant in disease. Therefore, it has been classified as a Variant of Uncertain Significance.